The following is an entry in ClinVar:

NM_014363.6(SACS):c.9484_9496del (p.Val3162fs)

Gene: SACS (sacsin molecular chaperone; minus strand). Cytogenetic location: 13q12.12.
Variant type: Deletion.
Coding change: c.9484_9496del on transcript NM_014363.6 (MANE Select); coding-DNA positions 9484 to 9496, 13 bases deleted (GTTTTGCAAACTT).
Protein change: p.Val3162fs; shifts the reading frame from valine 3162.
Molecular consequence: frameshift variant.
Genome position (GRCh38, 1-based): chr13:23,334,380-23,334,392, AAGTTTGCAAAAC deleted on the plus strand (GTTTTGCAAACTT on the coding strand, the reverse complement: SACS is on the minus strand); deleting any 13 consecutive bases within chr13:23,334,380-23,334,393 gives the same sequence; the c. name uses the placement nearest the transcript's 3' end. VCF-style (leftmost placement, unchanged base first): chr13-23334379-AAAGTTTGCAAAAC-A. GRCh37 (hg19) VCF-style: chr13-23908518-AAAGTTTGCAAAAC-A.
Other names: c.9043_9055del, p.Val3015fs (NM_001278055.2); short protein forms V3015fs, V3162fs.
Identifiers: ClinVar variation 2017490 (VCV002017490.4), dbSNP rs2542198759, ClinGen allele CA2580086894.

ClinVar aggregate classification (germline): Pathogenic (1 of 4 stars; one submission).

Conditions:
Spastic paraplegia. Identifiers: MedGen C0037772, HP:0001258.

Submission:

Labcorp Genetics (formerly Invitae), Labcorp
Classification: Pathogenic for Spastic paraplegia. Last evaluated: 2022-07-15. Review status: criteria provided, single submitter. Criteria: Invitae Variant Classification Sherloc (09022015). Collection method: clinical testing. Allele origin: germline.
Comment: This sequence change creates a premature translational stop signal (p.Val3162Leufs*9) in the SACS gene. While this is not anticipated to result in nonsense mediated decay, it is expected to disrupt the last 1418 amino acid(s) of the SACS protein. This variant is not present in population databases (gnomAD no frequency). This variant has not been reported in the literature in individuals affected with SACS-related conditions. This variant disrupts a region of the SACS protein in which other variant(s) (p.Asn4549Asp) have been determined to be pathogenic (PMID: 15156359, 21507954). This suggests that this is a clinically significant region of the protein, and that variants that disrupt it are likely to be disease-causing. For these reasons, this variant has been classified as Pathogenic.

Literature cited by the submitters: PubMed 15156359; PubMed 21507954.